The following is an entry in ClinVar:

NM_017654.4(SAMD9):c.1790_1791del (p.His597fs)

Gene: SAMD9 (sterile alpha motif domain containing 9; minus strand). Cytogenetic location: 7q21.2.
Variant type: Microsatellite.
Coding change: c.1790_1791del on transcript NM_017654.4 (MANE Select); coding-DNA positions 1790 to 1791, 2 bases deleted (AC; older notation c.1790_1791delAC).
Protein change: p.His597fs; shifts the reading frame from histidine 597.
Molecular consequence: frameshift variant.
Genome position (GRCh38, 1-based): chr7:93,104,307-93,104,308, GT deleted on the plus strand (AC on the coding strand, the reverse complement: SAMD9 is on the minus strand); deleting any 2 consecutive bases within chr7:93,104,307-93,104,310 gives the same sequence; the c. name uses the placement nearest the transcript's 3' end. VCF-style (leftmost placement, unchanged base first): chr7-93104306-GGT-G. GRCh37 (hg19) VCF-style: chr7-92733619-GGT-G.
Other names: c.1790_1791del, p.His597fs (NM_001193307.2); short protein forms H597fs.
Identifiers: ClinVar variation 5004701 (VCV005004701.1).

ClinVar aggregate classification (germline): Uncertain significance (1 of 4 stars; one submission).

Conditions:
Normophosphatemic familial tumoral calcinosis. Also called: CALCINOSIS, TUMORAL, WITH NORMOPHOSPHATEMIA. Identifiers: Orphanet 306658, Orphanet 53715, MedGen C1864861, MONDO:0012502, OMIM 610455.

Submission:

Myriad Genetics, Inc.
Classification: Uncertain significance for Normophosphatemic familial tumoral calcinosis. Last evaluated: 2026-05-29. Review status: criteria provided, single submitter. Criteria: Myriad Autosomal Dominant, Autosomal Recessive and X-Linked Classification Criteria (2023). Collection method: clinical testing. Allele origin: unknown.
Comment: NM_017654.3(SAMD9):c.1790_1791delAC(H597Pfs*3) is a frameshift variant classified as a variant of uncertain significance in the context of normophosphatemic familial tumoral calcinosis. H597Pfs*3 has not been observed in cases with relevant disease. Relevant functional assessments of this variant are not available in the literature. H597Pfs*3 has not been observed in referenced population frequency databases. In summary, there is insufficient evidence to classify NM_017654.3(SAMD9):c.1790_1791delAC(H597Pfs*3) as pathogenic or benign. Please note: this variant was assessed in the context of healthy population screening.